The following is an entry in ClinVar:

NM_005029.4(PITX3):c.88G>A (p.Glu30Lys)

Genes: GBF1 (golgi brefeldin A resistant guanine nucleotide exchange factor 1; plus strand), PITX3 (paired like homeodomain 3; minus strand). Cytogenetic location: 10q24.32.
Variant type: single nucleotide variant.
Coding change: c.88G>A on transcript NM_005029.4 (MANE Select); coding-DNA position 88, G replaced by A.
Protein change: p.Glu30Lys; replaces glutamic acid 30 with lysine.
Molecular consequence: missense variant. On other transcripts: intron variant (2).
Genome position (GRCh38, 1-based): chr10:102,231,993, C>T on the plus strand (G>A on the coding strand, the complement: PITX3 is on the minus strand). VCF-style: chr10-102231993-C-T. GRCh37 (hg19) VCF-style: chr10-103991750-C-T.
Other names: c.-149+1077C>T (NM_001391924.1); c.-11+1077C>T (NM_001391923.1); short protein forms E30K.
Identifiers: ClinVar variation 1301674 (VCV001301674.4), dbSNP rs2133799119, ClinGen allele CA378163273.
Genomic context (GRCh38, chr10:102,231,993, plus strand): 5'-TCCTGCACCCCCGGAAGGGGGCGCGCTTACCGCTGTGCTCCTGGCCCTTGCAGCCGTGCT[C>T]TGGGAGCTGGGGGTGCGGAGTGCCAGCGTCTGACAGCGACAGGGCAGGGCTCCGGGCCTC-3'
Protein context (NP_005020.1, residues 20-40): DAGTPHPQLP[Glu30Lys]HGCKGQEHSD

ClinVar aggregate classification (germline): Uncertain significance (1 of 4 stars; one submission).

Conditions:
Anterior segment dysgenesis 1 (ASGD1). Identifiers: MedGen C4551992, MONDO:0007138, OMIM 107250.

Allele frequency attached by ClinVar (database versions not stated): gnomAD exomes below 0.00001.
gnomAD v4.1: 1 of 1,610,812 alleles (0.000062%); highest among the groups gnomAD compares: South Asian, 0.0011%; no homozygotes.

Submission:

Dubai Health Genomic Medicine Center, Dubai Health
Classification: Uncertain significance for Anterior segment dysgenesis 1. Last evaluated: 2020-11-16. Review status: criteria provided, single submitter. Criteria: ACMG Guidelines, 2015. Collection method: clinical testing. Allele origin: germline. Affected: yes.
Comment: The p.Glu30Lys missense variant in PITX3 has not been previously reported in individuals with disease and was absent from large population studies such as the Genome Aggregation Database (gnomAD) and the Greater Middle East (GME) variome database. Computational prediction tools and conservation analyses do not provide strong support for or against an impact to the protein. In summary additional information is needed to fully assess the clinical significance of this variant.